The following is an entry in ClinVar:

ClinVar aggregate classification (germline): Uncertain significance (1 of 4 stars; one submission).

Conditions:
Hereditary cancer-predisposing syndrome. Also called: Hereditary neoplastic syndrome; Neoplastic Syndromes, Hereditary; Tumor predisposition; Hereditary Cancer Syndrome. Identifiers: Orphanet 140162, MedGen C0027672, MeSH D009386, MONDO:0015356.

Submission:

Ambry Genetics
Classification: Uncertain significance for Hereditary cancer-predisposing syndrome. Last evaluated: 2025-09-10. Review status: criteria provided, single submitter. Criteria: Ambry Variant Classification Scheme 2023. Collection method: clinical testing. Allele origin: germline.
Comment: The c.458-3C>T intronic variant results from a C to T substitution 3 nucleotides upstream from coding exon 3 in the CDKN2A gene. This nucleotide position is highly conserved in available vertebrate species. In silico splice site analysis for this alteration is inconclusive and direct evidence is insufficient at this time (Ambry internal data). Based on the available evidence, the clinical significance of this variant remains unclear.

NM_000077.5(CDKN2A):c.458-3C>T

Gene: CDKN2A (cyclin dependent kinase inhibitor 2A; minus strand). Cytogenetic location: 9p21.3.
Variant type: single nucleotide variant.
Coding change: c.458-3C>T on transcript NM_000077.5 (MANE Select); 3 bases into the intron before coding-DNA position 458, C replaced by T.
Molecular consequence: intron variant.
Genome position (GRCh38, 1-based): chr9:21,968,245, G>A on the plus strand (C>T on the coding strand, the complement: CDKN2A is on the minus strand). VCF-style: chr9-21968245-G-A. GRCh37 (hg19) VCF-style: chr9-21968244-G-A.
Other names: c.305-3C>T (NM_001363763.2); c.*102-3C>T (NM_058195.4); c.*151-3C>T (NM_001195132.2); c.*381-3C>T (NM_058197.5).
Identifiers: ClinVar variation 1741656 (VCV001741656.3), dbSNP rs2131079554, ClinGen allele CA2580080294.
Genomic context (GRCh38, chr9:21,968,245, plus strand): 5'-ATGATCTAAGTTTCCCGAGGTTTCTCAGAGCCTCTCTGGTTCTTTCAATCGGGGATGTCT[G>A]CAGAGGGCAGAAAGAAAACAGGCGTTAGAAACCTGAGGTCAAAGATGTGTGGCACATCCC-3'